The following is an entry in ClinVar:

NM_000551.4(VHL):c.340+674C>G

Genes: VHL (von Hippel-Lindau tumor suppressor; plus strand), LOC107303340 (3p25 von Hippel-Lindau tumor suppressor, E3 ubiquitin protein ligase Alu-mediated recombination region; plus strand). Cytogenetic location: 3p25.3.
Variant type: single nucleotide variant.
Coding change: c.340+674C>G on transcript NM_000551.4 (MANE Select); 674 bases into the intron after coding-DNA position 340, C replaced by G.
Molecular consequence: intron variant. On other transcripts: missense variant (1), non-coding transcript variant (1).
Genome position (GRCh38, 1-based): chr3:10,142,861, C>G. VCF-style: chr3-10142861-C-G. GRCh37 (hg19) VCF-style: chr3-10184545-C-G.
Other names: c.439C>G, p.Gln147Glu (NM_001354723.2); c.340+674C>G (NM_198156.3); short protein forms Q147E.
Identifiers: ClinVar variation 3763700 (VCV003763700.2).

ClinVar aggregate classification (germline): Uncertain significance (1 of 4 stars; one submission).

Conditions:
Chuvash polycythemia. Also called: POLYCYTHEMIA, VHL-DEPENDENT. Identifiers: Orphanet 238557, MedGen C1837915, MONDO:0009892, OMIM 263400.
Von Hippel-Lindau syndrome (VHLS). Also called: von Hippel–Lindau syndrome; VHL syndrome; Von Hippel-Lindau. Identifiers: Orphanet 892, MedGen C0019562, MONDO:0008667, OMIM 193300. Disease mechanism: loss of function.

Submission:

Labcorp Genetics (formerly Invitae), Labcorp
Classification: Uncertain significance for Von Hippel-Lindau syndrome; Chuvash polycythemia. Last evaluated: 2025-03-31. Review status: criteria provided, single submitter. Criteria: Invitae Variant Classification Sherloc (09022015). Collection method: clinical testing. Allele origin: germline.
Comment: This sequence change falls in intron 1 of the VHL gene. It is not expected to change the encoded amino acid sequence of the VHL protein. However, this sequence change falls within a cryptic exon in the VHL gene, known as exon E1’, which is naturally expressed at low levels in several human tissues (PMID: 29891534). This variant is not present in population databases (gnomAD no frequency). This variant has not been reported in the literature in individuals affected with VHL-related conditions. Algorithms developed to predict the effect of sequence changes on RNA splicing suggest that this variant is not likely to affect RNA splicing. In summary, the available evidence is currently insufficient to determine the role of this variant in disease. Therefore, it has been classified as a Variant of Uncertain Significance.

Literature cited by the submitters: PubMed 29891534.